The following is an entry in ClinVar:

NM_001829.4(CLCN3):c.1763G>A (p.Arg588Lys)

Gene: CLCN3 (Cl-/H+ antiporter 3; plus strand). Cytogenetic location: 4q33.
Variant type: single nucleotide variant.
Coding change: c.1763G>A on transcript NM_001829.4 (MANE Select); coding-DNA position 1763, G replaced by A.
Protein change: p.Arg588Lys; replaces arginine 588 with lysine.
Molecular consequence: missense variant.
Genome position (GRCh38, 1-based): chr4:169,706,880, G>A. VCF-style: chr4-169706880-G-A. GRCh37 (hg19) VCF-style: chr4-170628031-G-A.
Other names: c.1682G>A, p.Arg561Lys (NM_001243372.2, NM_001243374.2); c.1763G>A, p.Arg588Lys (NM_173872.4); short protein forms R561K, R588K.
Identifiers: ClinVar variation 5009081 (VCV005009081.1).

ClinVar aggregate classification (germline): Uncertain significance (1 of 4 stars; one submission).

gnomAD v4.1: 1 of 1,610,442 alleles (0.000062%); highest among the groups gnomAD compares: Non-Finnish European, 0.000085%; no homozygotes.

Submission:

GeneDx
Classification: Uncertain significance. Last evaluated: 2026-03-13. Review status: criteria provided, single submitter. Criteria: GeneDx Variant Classification Process June 2021. Collection method: clinical testing. Allele origin: germline.
Comment: Not observed at significant frequency in large population cohorts (gnomAD); In silico analysis suggests that this missense variant does not alter protein structure/function; Has not been previously published as pathogenic or benign to our knowledge